The following is an entry in ClinVar:

ClinVar aggregate classification (germline): Uncertain significance (1 of 4 stars; one submission).

Conditions:
Hereditary cancer-predisposing syndrome. Also called: Neoplastic Syndromes, Hereditary; Tumor predisposition; Hereditary neoplastic syndrome; Hereditary Cancer Syndrome. Identifiers: Orphanet 140162, MedGen C0027672, MeSH D009386, MONDO:0015356.

Submission:

Ambry Genetics
Classification: Uncertain significance for Hereditary cancer-predisposing syndrome. Last evaluated: 2026-07-07. Review status: criteria provided, single submitter. Criteria: Ambry Variant Classification Scheme 2023. Collection method: clinical testing. Allele origin: germline.
Comment: The p.Q883H variant (also known as c.2649G>C), located in coding exon 23 of the TSC2 gene, results from a G to C substitution at nucleotide position 2649. The glutamine at codon 883 is replaced by histidine, an amino acid with highly similar properties. This amino acid position is conserved. In addition, this alteration is predicted to be deleterious by in silico analysis. Based on the available evidence, the clinical significance of this variant remains unclear.

NM_000548.5(TSC2):c.2649G>C (p.Gln883His)

Gene: TSC2 (TSC complex subunit 2; plus strand). Cytogenetic location: 16p13.3.
Variant type: single nucleotide variant.
Coding change: c.2649G>C on transcript NM_000548.5 (MANE Select); coding-DNA position 2649, G replaced by C.
Protein change: p.Gln883His; replaces glutamine 883 with histidine.
Molecular consequence: missense variant. On other transcripts: non-coding transcript variant (5).
Genome position (GRCh38, 1-based): chr16:2,076,077, G>C. VCF-style: chr16-2076077-G-C. GRCh37 (hg19) VCF-style: chr16-2126078-G-C.
Other names: c.2049G>C, p.Gln683His (NM_001406682.1, NM_001406683.1, NM_001406684.1 and 6 more transcripts); c.1305G>C, p.Gln435His (NM_001406689.1, NM_001406690.1, NM_001406691.1 and 6 more transcripts); c.2649G>C, p.Gln883His (NM_001077183.3, NM_001114382.3, NM_021055.3 and 6 more transcripts); c.2538G>C, p.Gln846His (NM_001318827.2, NM_001406678.1, NM_001406670.1); c.2502G>C, p.Gln834His (NM_001318829.2, NM_001406675.1, NM_001406676.1 and 1 more transcripts); c.2637G>C, p.Gln879His (NM_001406671.1, NM_001406673.1); c.2592G>C, p.Gln864His (NM_001406677.1); c.2187G>C, p.Gln729His (NM_001406681.1); and 3 more; short protein forms Q729H, Q834H, Q846H, Q913H, Q349H, Q435H, Q879H, Q683H.
Identifiers: ClinVar variation 5031350 (VCV005031350.1).